The following is an entry in ClinVar:

ClinVar aggregate classification (germline): Uncertain significance (1 of 4 stars; one submission).

Submission:

Labcorp Genetics (formerly Invitae), Labcorp
Classification: Uncertain significance. Last evaluated: 2025-03-19. Review status: criteria provided, single submitter. Criteria: Invitae Variant Classification Sherloc (09022015). Collection method: clinical testing. Allele origin: germline.
Comment: This sequence change replaces alanine, which is neutral and non-polar, with proline, which is neutral and non-polar, at codon 1529 of the CACNA1F protein (p.Ala1529Pro). This variant is not present in population databases (gnomAD no frequency). This variant has not been reported in the literature in individuals affected with CACNA1F-related conditions. Invitae Evidence Modeling of protein sequence and biophysical properties (such as structural, functional, and spatial information, amino acid conservation, physicochemical variation, residue mobility, and thermodynamic stability) indicates that this missense variant is expected to disrupt CACNA1F protein function with a positive predictive value of 80%. In summary, the available evidence is currently insufficient to determine the role of this variant in disease. Therefore, it has been classified as a Variant of Uncertain Significance.

NM_001256789.3(CACNA1F):c.4552G>C (p.Ala1518Pro)

Genes: CACNA1F (calcium voltage-gated channel subunit alpha1 F; minus strand), LOC126863257 (BRD4-independent group 4 enhancer GRCh37_chrX:49065732-49066931; plus strand). Cytogenetic location: Xp11.23.
Variant type: single nucleotide variant.
Coding change: c.4552G>C on transcript NM_001256789.3 (MANE Select); coding-DNA position 4552, G replaced by C.
Protein change: p.Ala1518Pro; replaces alanine 1518 with proline.
Molecular consequence: missense variant.
Genome position (GRCh38, 1-based): chrX:49,210,337, C>G on the plus strand (G>C on the coding strand, the complement: CACNA1F is on the minus strand). VCF-style: chrX-49210337-C-G. GRCh37 (hg19) VCF-style: chrX-49066797-C-G.
Other names: c.4390G>C, p.Ala1464Pro (NM_001256790.3); c.4585G>C, p.Ala1529Pro (NM_005183.4); short protein forms A1518P, A1529P, A1464P.
Identifiers: ClinVar variation 4745361 (VCV004745361.1).
Genomic context (GRCh38, chrX:49,210,337, plus strand): 5'-CCCACTCCTGCCCCTCCCCTACACCTTCTGTTTTGATCTTCAGGGATGTCCGGACCAGGG[C>G]AAAGAGTGTGGCGTTGAATGTCACCGTCCCATCTGAGTTGAGGGGCATGTTCATTGCCAC-3'
Protein context (NP_001243718.1, residues 1508-1528): GTVTFNATLF[Ala1518Pro]LVRTSLKIKT